The following is an entry in ClinVar:

NM_153614.4(DNAJB13):c.112G>A (p.Glu38Lys)

Gene: DNAJB13 (DnaJ heat shock protein family (Hsp40) member B13; plus strand). Cytogenetic location: 11q13.4.
Variant type: single nucleotide variant.
Coding change: c.112G>A on transcript NM_153614.4 (MANE Select); coding-DNA position 112, G replaced by A.
Protein change: p.Glu38Lys; replaces glutamic acid 38 with lysine.
Molecular consequence: missense variant. On other transcripts: 5 prime UTR variant (1).
Genome position (GRCh38, 1-based): chr11:73,958,360, G>A. VCF-style: chr11-73958360-G-A. GRCh37 (hg19) VCF-style: chr11-73669405-G-A.
Other names: c.112G>A (NM_153614.2); c.-194G>A (NM_001377263.1); short protein forms E38K.
Identifiers: ClinVar variation 708106 (VCV000708106.14), dbSNP rs145187500, ClinGen allele CA6180605.

ClinVar aggregate classification (germline): Conflicting classifications of pathogenicity. Review status: criteria provided, conflicting classifications (1 of 4 stars). 4 submissions from 4 submitters: Uncertain significance (1); Likely benign (2). 1 of the submissions does not count toward it. Last evaluated 2026-01-16.

Conditions:
DNAJB13-related disorder. Also called: DNAJB13-related condition.

Allele frequency attached by ClinVar (database versions not stated): gnomAD exomes 0.00013 and 0.00037; ExAC 0.00040; ESP Exome Variant Server 0.00108; 1000 Genomes Project 0.00140; gnomAD 0.00152 and 0.00163; 1000 Genomes Project 30x 0.00156; TOPMed 0.00165.

Submissions (4):

Labcorp Genetics (formerly Invitae), Labcorp
Classification: Likely benign. Last evaluated: 2026-01-16. Review status: criteria provided, single submitter. Criteria: Invitae Variant Classification Sherloc (09022015). Collection method: clinical testing. Allele origin: germline.

Ambry Genetics
Classification: Uncertain significance. Last evaluated: 2025-09-26. Review status: criteria provided, single submitter. Criteria: Ambry Variant Classification Scheme 2023. Collection method: clinical testing. Allele origin: germline.

Breakthrough Genomics
Classification: Likely benign. Review status: criteria provided, single submitter. Criteria: ACMG Guidelines, 2015. Collection method: not provided. Allele origin: germline. Inheritance: Autosomal recessive inheritance. Affected: yes.

PreventionGenetics, part of Exact Sciences
Classification: Likely benign for DNAJB13-related condition. Last evaluated: 2020-02-11. Review status: no assertion criteria provided. Collection method: clinical testing. Allele origin: germline. Not counted in ClinVar's aggregate classification.
Comment: This variant is classified as likely benign based on ACMG/AMP sequence variant interpretation guidelines (Richards et al. 2015 PMID: 25741868, with internal and published modifications).